The following is an entry in ClinVar:

ClinVar aggregate classification (germline): Pathogenic (1 of 4 stars; one submission).

Submission:

Labcorp Genetics (formerly Invitae), Labcorp
Classification: Pathogenic. Last evaluated: 2023-12-05. Review status: criteria provided, single submitter. Criteria: Invitae Variant Classification Sherloc (09022015). Collection method: clinical testing. Allele origin: germline.
Comment: This variant is a gross deletion of the genomic region encompassing exon(s) 7 of the EYS gene. This deletion is out-of-frame, and is expected to create a premature termination codon and result in an absent or disrupted protein product. Loss-of-function variants in EYS are known to be pathogenic (PMID: 18836446, 20333770). This variant has not been reported in the literature in individuals affected with EYS-related conditions. For these reasons, this variant has been classified as Pathogenic.

Literature cited by the submitters: PubMed 18836446; PubMed 20333770.

NC_000006.11:g.(?_66112351)_(66112518_?)del

Gene: EYS (eyes shut homolog; minus strand). Cytogenetic location: 6q12.
Variant type: Deletion.
Identifiers: ClinVar variation 1455336 (VCV001455336.5).